The following is an entry in ClinVar:

NM_015404.4(WHRN):c.1517G>A (p.Arg506Gln)

Gene: WHRN (whirlin; minus strand). Cytogenetic location: 9q32.
Variant type: single nucleotide variant.
Coding change: c.1517G>A on transcript NM_015404.4 (MANE Select); coding-DNA position 1517, G replaced by A.
Protein change: p.Arg506Gln; replaces arginine 506 with glutamine.
Molecular consequence: missense variant.
Genome position (GRCh38, 1-based): chr9:114,423,423, C>T on the plus strand (G>A on the coding strand, the complement: WHRN is on the minus strand). VCF-style: chr9-114423423-C-T. GRCh37 (hg19) VCF-style: chr9-117185703-C-T.
Other names: c.368G>A, p.Arg123Gln (NM_001083885.3); c.1517G>A, p.Arg506Gln (NM_001173425.2); c.464G>A, p.Arg155Gln (NM_001346890.1); short protein forms R123Q, R506Q, R155Q.
Identifiers: ClinVar variation 1498707 (VCV001498707.8), dbSNP rs371938756, ClinGen allele CA5205924.

ClinVar aggregate classification (germline): Uncertain significance. Review status: criteria provided, multiple submitters, no conflicts (2 of 4 stars). 2 submissions from 2 submitters: Uncertain significance (2). Last evaluated 2023-09-21.

Allele frequency attached by ClinVar (database versions not stated): ExAC 0.00001; gnomAD 0.00002 and 0.00003; gnomAD exomes 0.00002; TOPMed 0.00002; ESP Exome Variant Server 0.00008.
gnomAD v4.1: 30 of 1,613,982 alleles (0.0019%); highest among the groups gnomAD compares: Middle Eastern, 0.016%; no homozygotes.

Submissions (2):

Blueprint Genetics
Classification: Uncertain significance. Last evaluated: 2023-09-21. Review status: criteria provided, single submitter. Criteria: ACMG Guidelines, 2015. Collection method: clinical testing. Allele origin: germline.

Labcorp Genetics (formerly Invitae), Labcorp
Classification: Uncertain significance. Last evaluated: 2022-07-12. Review status: criteria provided, single submitter. Criteria: Invitae Variant Classification Sherloc (09022015). Collection method: clinical testing. Allele origin: germline.
Comment: This variant is present in population databases (rs371938756, gnomAD 0.006%). In summary, the available evidence is currently insufficient to determine the role of this variant in disease. Therefore, it has been classified as a Variant of Uncertain Significance. Algorithms developed to predict the effect of missense changes on protein structure and function output the following: SIFT: "Deleterious"; PolyPhen-2: "Benign"; Align-GVGD: "Class C0". The glutamine amino acid residue is found in multiple mammalian species, which suggests that this missense change does not adversely affect protein function. ClinVar contains an entry for this variant (Variation ID: 1498707). This variant has not been reported in the literature in individuals affected with WHRN-related conditions. This sequence change replaces arginine, which is basic and polar, with glutamine, which is neutral and polar, at codon 506 of the WHRN protein (p.Arg506Gln).